The following is an entry in ClinVar:

ClinVar aggregate classification (germline): Uncertain significance (1 of 4 stars; one submission).

Conditions:
Alpha thalassemia-X-linked intellectual disability syndrome (ATRX). Also called: ALPHA-THALASSEMIA/MENTAL RETARDATION SYNDROME, X-LINKED; ATR, NONDELETION TYPE; ATR-X syndrome; Alpha thalassemia mental retardation syndrome, nondeletion type, X-linked; XLMR hypotonic face syndrome; X-linked alpha-thalassemia-mental retardation syndrome. Identifiers: Orphanet 847, MedGen C1845055, MONDO:0010519, OMIM 301040.

gnomAD v4.1: 1 of 1,209,840 alleles (0.000083%); highest among the groups gnomAD compares: Middle Eastern, 0.023%; no homozygotes.

Submission:

Labcorp Genetics (formerly Invitae), Labcorp
Classification: Uncertain significance for Alpha thalassemia-X-linked intellectual disability syndrome. Last evaluated: 2023-02-21. Review status: criteria provided, single submitter. Criteria: Invitae Variant Classification Sherloc (09022015). Collection method: clinical testing. Allele origin: germline.
Comment: This sequence change replaces glutamic acid, which is acidic and polar, with glycine, which is neutral and non-polar, at codon 453 of the ATRX protein (p.Glu453Gly). This variant is not present in population databases (gnomAD no frequency). This variant has not been reported in the literature in individuals affected with ATRX-related conditions. Advanced modeling of protein sequence and biophysical properties (such as structural, functional, and spatial information, amino acid conservation, physicochemical variation, residue mobility, and thermodynamic stability) performed at Invitae indicates that this missense variant is not expected to disrupt ATRX protein function. In summary, the available evidence is currently insufficient to determine the role of this variant in disease. Therefore, it has been classified as a Variant of Uncertain Significance.

NM_000489.6(ATRX):c.1358A>G (p.Glu453Gly)

Gene: ATRX (ATRX chromatin remodeler; minus strand). Cytogenetic location: Xq21.1.
Variant type: single nucleotide variant.
Coding change: c.1358A>G on transcript NM_000489.6 (MANE Select); coding-DNA position 1358, A replaced by G.
Protein change: p.Glu453Gly; replaces glutamic acid 453 with glycine.
Molecular consequence: missense variant.
Genome position (GRCh38, 1-based): chrX:77,683,898, T>C on the plus strand (A>G on the coding strand, the complement: ATRX is on the minus strand). VCF-style: chrX-77683898-T-C. GRCh37 (hg19) VCF-style: chrX-76939390-T-C.
Other names: c.1244A>G, p.Glu415Gly (NM_138270.5); short protein forms E453G, E415G.
Identifiers: ClinVar variation 2839586 (VCV002839586.3), dbSNP rs2519996196, ClinGen allele CA413718392.